The following is an entry in ClinVar:

ClinVar aggregate classification (germline): Uncertain significance (1 of 4 stars; one submission).

Allele frequency attached by ClinVar (database versions not stated): gnomAD 0.00001; TOPMed 0.00001.
gnomAD v4.1: 13 of 1,613,868 alleles (0.00081%); highest among the groups gnomAD compares: East Asian, 0.011%; no homozygotes.

Submission:

Labcorp Genetics (formerly Invitae), Labcorp
Classification: Uncertain significance. Last evaluated: 2024-02-17. Review status: criteria provided, single submitter. Criteria: Invitae Variant Classification Sherloc (09022015). Collection method: clinical testing. Allele origin: germline.
Comment: This sequence change replaces arginine, which is basic and polar, with cysteine, which is neutral and slightly polar, at codon 545 of the COL9A1 protein (p.Arg545Cys). This variant is present in population databases (rs780405287, gnomAD 0.03%). This variant has not been reported in the literature in individuals affected with COL9A1-related conditions. ClinVar contains an entry for this variant (Variation ID: 1384725). Advanced modeling of protein sequence and biophysical properties (such as structural, functional, and spatial information, amino acid conservation, physicochemical variation, residue mobility, and thermodynamic stability) performed at Invitae indicates that this missense variant is not expected to disrupt COL9A1 protein function with a negative predictive value of 95%. In summary, the available evidence is currently insufficient to determine the role of this variant in disease. Therefore, it has been classified as a Variant of Uncertain Significance.

NM_001851.6(COL9A1):c.1633C>T (p.Arg545Cys)

Gene: COL9A1 (collagen type IX alpha 1 chain; minus strand). Cytogenetic location: 6q13.
Variant type: single nucleotide variant.
Coding change: c.1633C>T on transcript NM_001851.6 (MANE Select); coding-DNA position 1633, C replaced by T.
Protein change: p.Arg545Cys; replaces arginine 545 with cysteine.
Molecular consequence: missense variant. On other transcripts: non-coding transcript variant (1).
Genome position (GRCh38, 1-based): chr6:70,254,995, G>A on the plus strand (C>T on the coding strand, the complement: COL9A1 is on the minus strand). VCF-style: chr6-70254995-G-A. GRCh37 (hg19) VCF-style: chr6-70964698-G-A.
Other names: c.904C>T, p.Arg302Cys (NM_001377289.1, NM_001377290.1, NM_078485.4); short protein forms R302C, R545C.
Identifiers: ClinVar variation 1384725 (VCV001384725.7), dbSNP rs780405287, ClinGen allele CA3882099.